The following is an entry in ClinVar:

NM_001042472.3(ABHD12):c.536G>C (p.Gly179Ala)

Gene: ABHD12 (abhydrolase domain containing 12, lysophospholipase; minus strand). Cytogenetic location: 20p11.21.
Variant type: single nucleotide variant.
Coding change: c.536G>C on transcript NM_001042472.3 (MANE Select); coding-DNA position 536, G replaced by C.
Protein change: p.Gly179Ala; replaces glycine 179 with alanine.
Molecular consequence: missense variant.
Genome position (GRCh38, 1-based): chr20:25,320,205, C>G on the plus strand (G>C on the coding strand, the complement: ABHD12 is on the minus strand). VCF-style: chr20-25320205-C-G. GRCh37 (hg19) VCF-style: chr20-25300841-C-G.
Other names: c.536G>C, p.Gly179Ala (NM_015600.5); short protein forms G179A.
Identifiers: ClinVar variation 1383269 (VCV001383269.6), dbSNP rs2089040438, ClinGen allele CA408457129.

ClinVar aggregate classification (germline): Uncertain significance (1 of 4 stars; one submission).

gnomAD v4.1: 1 of 1,613,972 alleles (0.000062%); no homozygotes.

Submission:

Labcorp Genetics (formerly Invitae), Labcorp
Classification: Uncertain significance. Last evaluated: 2021-09-29. Review status: criteria provided, single submitter. Criteria: Invitae Variant Classification Sherloc (09022015). Collection method: clinical testing. Allele origin: germline.
Comment: In summary, the available evidence is currently insufficient to determine the role of this variant in disease. Therefore, it has been classified as a Variant of Uncertain Significance. Algorithms developed to predict the effect of missense changes on protein structure and function are either unavailable or do not agree on the potential impact of this missense change (SIFT: "Tolerated"; PolyPhen-2: "Probably Damaging"; Align-GVGD: "Class C0"). This variant has not been reported in the literature in individuals affected with ABHD12-related conditions. This variant is not present in population databases (ExAC no frequency). This sequence change replaces glycine with alanine at codon 179 of the ABHD12 protein (p.Gly179Ala). The glycine residue is moderately conserved and there is a small physicochemical difference between glycine and alanine.